The following is an entry in ClinVar:

NM_001009944.3(PKD1):c.11819_11828dup (p.Leu3944fs)

Gene: PKD1 (polycystin 1, transient receptor potential channel interacting; minus strand). Cytogenetic location: 16p13.3.
Variant type: Duplication.
Coding change: c.11819_11828dup on transcript NM_001009944.3 (MANE Select); coding-DNA positions 11819 to 11828, 10 bases duplicated (TGCTGGTGGC; older notation c.11819_11828dupTGCTGGTGGC).
Protein change: p.Leu3944fs; shifts the reading frame from leucine 3944.
Molecular consequence: frameshift variant.
Genome position (GRCh38, 1-based): chr16:2,091,059-2,091,068, GCCACCAGCA duplicated on the plus strand (TGCTGGTGGC on the coding strand, the reverse complement: PKD1 is on the minus strand); duplicating any 10 consecutive bases within chr16:2,091,059-2,091,074 gives the same sequence; the c. name uses the placement nearest the transcript's 3' end. VCF-style (leftmost placement, unchanged base first): chr16-2091058-C-CGCCACCAGCA. GRCh37 (hg19) VCF-style: chr16-2141059-C-CGCCACCAGCA.
Other names: c.11816_11825dup, p.Leu3943fs (NM_000296.4); c.11819_11828dupTGCTGGTGGC (NM_001009944.3); short protein forms L3943fs, L3944fs.
Identifiers: ClinVar variation 3899965 (VCV003899965.2).

ClinVar aggregate classification (germline): Pathogenic. Review status: criteria provided, single submitter (1 of 4 stars). 2 submissions from 2 submitters: Pathogenic (1). 1 of the submissions does not count toward it. Last evaluated 2026-04-17.

Conditions:
Polycystic kidney disease, adult type (PKD1). Also called: POLYCYSTIC KIDNEY DISEASE, ADULT, TYPE I; Polycystic Kidney Disease 1, Autosomal Dominant; Polycystic kidney disease 1; Polycystic kidney disease 1, severe; Polycystic Kidney, Autosomal Dominant; POLYCYSTIC KIDNEY DISEASE 1 WITH OR WITHOUT POLYCYSTIC LIVER DISEASE. Identifiers: MedGen C3149841, MONDO:0008263, OMIM 173900.

Submissions (2):

Victorian Clinical Genetics Services, Murdoch Childrens Research Institute
Classification: Pathogenic for Polycystic kidney disease, adult type. Last evaluated: 2026-04-17. Review status: criteria provided, single submitter. Criteria: ACMG Guidelines, 2015. Collection method: clinical testing. Allele origin: germline. Affected: yes.
Comment: This variant is classified as Pathogenic. Evidence in support of pathogenic classification: Variant is predicted to cause nonsense-mediated decay (NMD) and loss of protein (premature termination codon is located at least 54 nucleotides upstream of the final exon-exon junction); Variant is absent from gnomAD (v2, v3 and v4); Other NMD predicted variant(s) comparable to the one identified in this case have very strong previous evidence for pathogenicity (DECIPHER). Additional information: This variant is heterozygous; This gene is associated with autosomal dominant disease. Polycystic kidney disease 1 (MIM#173900) is predominantly caused by monoallelic variants, with rare reports of biallelic variants causing disease (OMIM); Loss of function is a known mechanism of disease in this gene and is associated with polycystic kidney disease 1 (MIM#173900); Inheritance information for this variant is not currently available in this individual.

Gharavi Laboratory, Columbia University
Classification: Likely pathogenic for Polycystic kidney disease 1. Last evaluated: 2024-11-05. Review status: no assertion criteria provided. Criteria: ACMG Guidelines, 2015. Collection method: case-control. Allele origin: germline. Affected: yes. Not counted in ClinVar's aggregate classification.